The following is an entry in ClinVar:

NM_003850.3(SUCLA2):c.32T>C (p.Val11Ala)

Gene: SUCLA2 (succinate-CoA ligase ADP-forming subunit beta; minus strand). Cytogenetic location: 13q14.2.
Variant type: single nucleotide variant.
Coding change: c.32T>C on transcript NM_003850.3 (MANE Select); coding-DNA position 32, T replaced by C.
Protein change: p.Val11Ala; replaces valine 11 with alanine.
Molecular consequence: missense variant.
Genome position (GRCh38, 1-based): chr13:48,001,238, A>G on the plus strand (T>C on the coding strand, the complement: SUCLA2 is on the minus strand). VCF-style: chr13-48001238-A-G. GRCh37 (hg19) VCF-style: chr13-48575374-A-G.
Other names: short protein forms V11A.
Identifiers: ClinVar variation 2045984 (VCV002045984.4), dbSNP rs1477595981, ClinGen allele CA388155434.
Genomic context (GRCh38, chr13:48,001,238, plus strand): 5'-ACCTGAGCAGCAGCCCGCTGGGCCGTCCGAGGCCGGTGGTTCCGAAGGGTGGCCACGGCC[A>G]CTAGCCTGCCGTAGAACATGGAGGCCGCCATTTCTGAGTCGGACCCCGTCCCCTCGGCGC-3'
Protein context (NP_003841.1, residues 1-21): MAASMFYGRL[Val11Ala]AVATLRNHRP

ClinVar aggregate classification (germline): Uncertain significance (1 of 4 stars; one submission).

Conditions:
Mitochondrial DNA depletion syndrome, encephalomyopathic form with methylmalonic aciduria (MTDPS5). Also called: MITOCHONDRIAL DNA DEPLETION SYNDROME, ENCEPHALOMYOPATHIC FORM, WITH OR WITHOUT METHYLMALONIC ACIDURIA, AUTOSOMAL RECESSIVE, SUCLA2-RELATED; SUCLA2-Related Mitochondrial DNA Depletion Syndrome, Encephalomyopathic Form with Methylmalonic Aciduria; Mitochondrial DNA depletion syndrome 5 (encephalomyopathic with or without methylmalonic aciduria); Mitochondrial encephalomyopathy aminoacidopathy. Identifiers: Orphanet 1933, MedGen C5980207, MONDO:0012791, OMIM 612073.

Allele frequency attached by ClinVar (database versions not stated): gnomAD exomes 0.00001.
gnomAD v4.1: 7 of 1,604,980 alleles (0.00044%); highest among the groups gnomAD compares: Admixed American, 0.0017%; no homozygotes.

Submission:

Labcorp Genetics (formerly Invitae), Labcorp
Classification: Uncertain significance for Mitochondrial DNA depletion syndrome, encephalomyopathic form with methylmalonic aciduria. Last evaluated: 2024-11-04. Review status: criteria provided, single submitter. Criteria: Invitae Variant Classification Sherloc (09022015). Collection method: clinical testing. Allele origin: germline.
Comment: This sequence change replaces valine, which is neutral and non-polar, with alanine, which is neutral and non-polar, at codon 11 of the SUCLA2 protein (p.Val11Ala). This variant is present in population databases (no rsID available, gnomAD 0.003%). This variant has not been reported in the literature in individuals affected with SUCLA2-related conditions. ClinVar contains an entry for this variant (Variation ID: 2045984). An algorithm developed to predict the effect of missense changes on protein structure and function (PolyPhen-2) suggests that this variant is likely to be tolerated. In summary, the available evidence is currently insufficient to determine the role of this variant in disease. Therefore, it has been classified as a Variant of Uncertain Significance.